The following is an entry in ClinVar:

ClinVar aggregate classification (germline): Uncertain significance (1 of 4 stars; one submission).

Submission:

Labcorp Genetics (formerly Invitae), Labcorp
Classification: Uncertain significance. Last evaluated: 2025-02-09. Review status: criteria provided, single submitter. Criteria: Invitae Variant Classification Sherloc (09022015). Collection method: clinical testing. Allele origin: germline.
Comment: This sequence change replaces arginine, which is basic and polar, with cysteine, which is neutral and slightly polar, at codon 371 of the MCM5 protein (p.Arg371Cys). This variant is present in population databases (rs199576845, gnomAD 0.007%). This variant has not been reported in the literature in individuals affected with MCM5-related conditions. Invitae Evidence Modeling of protein sequence and biophysical properties (such as structural, functional, and spatial information, amino acid conservation, physicochemical variation, residue mobility, and thermodynamic stability) indicates that this missense variant is expected to disrupt MCM5 protein function with a positive predictive value of 80%. In summary, the available evidence is currently insufficient to determine the role of this variant in disease. Therefore, it has been classified as a Variant of Uncertain Significance.

NM_006739.4(MCM5):c.1111C>T (p.Arg371Cys)

Gene: MCM5 (minichromosome maintenance complex component 5; plus strand). Cytogenetic location: 22q12.3.
Variant type: single nucleotide variant.
Coding change: c.1111C>T on transcript NM_006739.4 (MANE Select); coding-DNA position 1111, C replaced by T.
Protein change: p.Arg371Cys; replaces arginine 371 with cysteine.
Molecular consequence: missense variant.
Genome position (GRCh38, 1-based): chr22:35,413,894, C>T. VCF-style: chr22-35413894-C-T. GRCh37 (hg19) VCF-style: chr22-35809887-C-T.
Other names: short protein forms R371C.
Identifiers: ClinVar variation 3706115 (VCV003706115.2).
Genomic context (GRCh38, chr22:35,413,894, plus strand): 5'-TCATGGATTCTCACCTTGTCCATCTACCCTTCGTCCCCCAGGCTCCCTGATGGACTTACT[C>T]GCCGAGGAGACATCAACCTGCTGATGCTAGGGGACCCTGGGACAGCCAAGTCCCAGCTTC-3'
Protein context (NP_006730.2, residues 361-381): SRKRLPDGLT[Arg371Cys]RGDINLLMLG